The following is an entry in ClinVar:

ClinVar aggregate classification (germline): Conflicting classifications of pathogenicity. Review status: criteria provided, conflicting classifications (1 of 4 stars). 2 submissions from 2 submitters: Uncertain significance (1); Likely benign (1). Last evaluated 2026-09-21.

Conditions:
LEPR-related disorder. Also called: LEPR-related condition; LEPR-related disorders.

Allele frequency attached by ClinVar (database versions not stated): ExAC 0.00002; gnomAD exomes 0.00002; gnomAD 0.00003 and 0.00004; TOPMed 0.00012.
gnomAD v4.1: 14 of 1,613,142 alleles (0.00087%); highest among the groups gnomAD compares: African/African-American, 0.016%; no homozygotes.

Submissions (2):

PreventionGenetics, part of Exact Sciences
Classification: Uncertain significance for LEPR-related condition. Last evaluated: 2026-09-21. Review status: criteria provided, single submitter. Criteria: ACMG Guidelines, 2015. Collection method: clinical testing. Allele origin: germline.
Comment: The LEPR c.866C>T variant is predicted to result in the amino acid substitution p.Ser289Leu. This variant has been reported in the heterozygous state in a patient with severe obesity; however, the patient also carried a second variant in this gene that was considered more likely to contribute to the phenotype (Courbage et al. 2021. PubMed ID: 34097736). This variant was observed in a cohort of individuals with obesity, and in vitro functional studies showed function similar to wild-type levels (Supplemental Data Set, Shah et al. 2023. PubMed ID: 36864747). This variant is reported in 0.024% of alleles in individuals of African descent in gnomAD. At this time, the clinical significance of this variant is uncertain due to the absence of conclusive functional and genetic evidence.

Labcorp Genetics (formerly Invitae), Labcorp
Classification: Likely benign. Last evaluated: 2023-11-27. Review status: criteria provided, single submitter. Criteria: Invitae Variant Classification Sherloc (09022015). Collection method: clinical testing. Allele origin: germline.

NM_002303.6(LEPR):c.866C>T (p.Ser289Leu)

Gene: LEPR (leptin receptor; plus strand). Cytogenetic location: 1p31.3.
Variant type: single nucleotide variant.
Coding change: c.866C>T on transcript NM_002303.6 (MANE Select); coding-DNA position 866, C replaced by T.
Protein change: p.Ser289Leu; replaces serine 289 with leucine.
Molecular consequence: missense variant.
Genome position (GRCh38, 1-based): chr1:65,598,676, C>T. VCF-style: chr1-65598676-C-T. GRCh37 (hg19) VCF-style: chr1-66064359-C-T.
Other names: c.866C>T, p.Ser289Leu (NM_001198688.1, NM_001198689.2, NM_001003679.3 and 2 more transcripts); c.866C>T (NM_002303.5); short protein forms S289L.
Identifiers: ClinVar variation 1347398 (VCV001347398.10), dbSNP rs760392591, ClinGen allele CA894682.